The following is an entry in ClinVar:

NM_007294.4(BRCA1):c.1294C>A (p.Leu432Met)

Gene: BRCA1 (BRCA1 DNA repair associated; minus strand). Cytogenetic location: 17q21.31.
Variant type: single nucleotide variant.
Coding change: c.1294C>A on transcript NM_007294.4 (MANE Select); coding-DNA position 1294, C replaced by A.
Protein change: p.Leu432Met; replaces leucine 432 with methionine.
Molecular consequence: missense variant. On other transcripts: intron variant (137).
Genome position (GRCh38, 1-based): chr17:43,094,237, G>T on the plus strand (C>A on the coding strand, the complement: BRCA1 is on the minus strand). VCF-style: chr17-43094237-G-T. GRCh37 (hg19) VCF-style: chr17-41246254-G-T.
Other names: c.1081C>A, p.Leu361Met (NM_001407917.1, NM_001407918.1, NM_001407571.1 and 9 more transcripts); c.1171C>A, p.Leu391Met (NM_001407919.1, NM_001407937.1, NM_001407938.1 and 19 more transcripts); c.1030C>A, p.Leu344Met (NM_001407920.1, NM_001407921.1, NM_001407922.1 and 9 more transcripts); c.1027C>A, p.Leu343Met (NM_001407934.1, NM_001407936.1, NM_001407930.1 and 2 more transcripts); c.1168C>A, p.Leu390Met (NM_001407940.1, NM_001407649.1, NM_001407670.1 and 11 more transcripts); c.1294C>A, p.Leu432Met (NM_001407581.1, NM_001407582.1, NM_001407583.1 and 30 more transcripts); c.1291C>A, p.Leu431Met (NM_001407587.1, NM_001407590.1, NM_001407591.1 and 22 more transcripts); c.1285C>A, p.Leu429Met (NM_001407646.1, NM_001407647.1); and 40 more; short protein forms L385M, L432M, L343M, L361M, L362M, L365M, L429M, L431M.
Identifiers: ClinVar variation 961296 (VCV000961296.14), dbSNP rs864622454, ClinGen allele CA10599466.
Genomic context (GRCh38, chr17:43,094,237, plus strand): 5'-CTGATTTGGAGTGAACTCTTTCACTTTTACATATTAAAGCCTCATGAGGATCACTGGCCA[G>T]TAAGTCTATTTTCTCTGAAGAACCAGAATATTCATCTACCTCATTTAGAACGTCCAATAC-3'
Protein context (NP_009225.1, residues 422-442): YSGSSEKIDL[Leu432Met]ASDPHEALIC

ClinVar aggregate classification (germline): Conflicting classifications of pathogenicity. Review status: criteria provided, conflicting classifications (1 of 4 stars). 3 submissions from 3 submitters: Uncertain significance (2); Likely benign (1). Last evaluated 2025-06-25.

Conditions:
Hereditary cancer-predisposing syndrome. Also called: Tumor predisposition; Hereditary neoplastic syndrome; Hereditary Cancer Syndrome; Neoplastic Syndromes, Hereditary. Identifiers: Orphanet 140162, MedGen C0027672, MeSH D009386, MONDO:0015356.
Hereditary breast ovarian cancer syndrome. Also called: BRCA1- and BRCA2-Associated Hereditary Breast and Ovarian Cancer; Hereditary breast and ovarian cancer; Hereditary breast and/or ovarian cancer syndrome; Hereditary breast and ovarian cancer syndrome; Hereditary breast and ovarian cancer syndrome (HBOC); Breast and ovarian cancer. Identifiers: Orphanet 145, MedGen C0677776, MeSH D061325, MONDO:0003582. Disease mechanism: loss of function.

Submissions (3):

Ambry Genetics
Classification: Uncertain significance for Hereditary cancer-predisposing syndrome. Last evaluated: 2025-06-25. Review status: criteria provided, single submitter. Criteria: Ambry Variant Classification Scheme 2023. Collection method: clinical testing. Allele origin: germline.
Comment: The p.L432M variant (also known as c.1294C>A), located in coding exon 9 of the BRCA1 gene, results from a C to A substitution at nucleotide position 1294. The leucine at codon 432 is replaced by methionine, an amino acid with highly similar properties. This amino acid position is not well conserved in available vertebrate species. In addition, this alteration is predicted to be tolerated by in silico analysis. Based on the available evidence, the clinical significance of this variant remains unclear.

University of Washington Department of Laboratory Medicine, University of Washington
Classification: Likely benign for Hereditary cancer-predisposing syndrome. Last evaluated: 2023-03-23. Review status: criteria provided, single submitter. Criteria: Dines et al. (Genet Med. 2020). Collection method: curation. Allele origin: germline.
Comment: Missense variant in a coldspot region where missense variants are very unlikely to be pathogenic (PMID:31911673).

BRCA1 coldspot (exon 11 using historical exon numbering). Reclassification based on statistical prior probability

Labcorp Genetics (formerly Invitae), Labcorp
Classification: Uncertain significance for Hereditary breast ovarian cancer syndrome. Last evaluated: 2022-02-17. Review status: criteria provided, single submitter. Criteria: Invitae Variant Classification Sherloc (09022015). Collection method: clinical testing. Allele origin: germline.
Comment: In summary, the available evidence is currently insufficient to determine the role of this variant in disease. Therefore, it has been classified as a Variant of Uncertain Significance. Advanced modeling of protein sequence and biophysical properties (such as structural, functional, and spatial information, amino acid conservation, physicochemical variation, residue mobility, and thermodynamic stability) performed at Invitae indicates that this missense variant is not expected to disrupt BRCA1 protein function. This sequence change replaces leucine, which is neutral and non-polar, with methionine, which is neutral and non-polar, at codon 432 of the BRCA1 protein (p.Leu432Met). This variant is not present in population databases (gnomAD no frequency). This variant has not been reported in the literature in individuals affected with BRCA1-related conditions. ClinVar contains an entry for this variant (Variation ID: 961296).